The following is an entry in ClinVar:

NM_021815.5(SLC5A7):c.19G>C (p.Gly7Arg)

Gene: SLC5A7 (solute carrier family 5 member 7; plus strand). Cytogenetic location: 2q12.3.
Variant type: single nucleotide variant.
Coding change: c.19G>C on transcript NM_021815.5 (MANE Select); coding-DNA position 19, G replaced by C.
Protein change: p.Gly7Arg; replaces glycine 7 with arginine.
Molecular consequence: missense variant. On other transcripts: 5 prime UTR variant (1), intron variant (1).
Genome position (GRCh38, 1-based): chr2:107,988,174, G>C. VCF-style: chr2-107988174-G-C. GRCh37 (hg19) VCF-style: chr2-108604630-G-C.
Other names: c.19G>C, p.Gly7Arg (NM_001305005.3); c.-686G>C (NM_001305007.3); c.-138+1411G>C (NM_001305006.3); short protein forms G7R.
Identifiers: ClinVar variation 1037140 (VCV001037140.5), dbSNP rs753442687, ClinGen allele CA1818867.
Genomic context (GRCh38, chr2:107,988,174, plus strand): 5'-TGAAGTAGCCAGCTGCAGAAGAATCTGGATCATTAGATAAAAATGGCTTTCCATGTGGAA[G>C]GACTGATAGCTATCATCGTGTTCTACCTTCTAATTTTGCTGGTTGGAATATGGGCTGCCT-3'
Protein context (NP_068587.1, residues 1-17): MAFHVE[Gly7Arg]LIAIIVFYLL

ClinVar aggregate classification (germline): Uncertain significance (1 of 4 stars; one submission).

Conditions:
Congenital myasthenic syndrome 20. Also called: Myasthenic syndrome, congenital, 20, presynaptic. Identifiers: MedGen C4310694, MONDO:0014939, OMIM 617143.
Neuronopathy, distal hereditary motor, type 7A. Also called: HARPER-YOUNG MYOPATHY; HMN VIIA; SPINAL MUSCULAR ATROPHY, DISTAL, WITH VOCAL CORD PARALYSIS; Neuronopathy, distal hereditary motor, autosomal dominant 7; NEURONOPATHY, DISTAL HEREDITARY MOTOR, HARDING TYPE VIIA; NEUROPATHY, DISTAL HEREDITARY MOTOR, HARDING TYPE VIIA. Identifiers: Orphanet 139589, MedGen C1834703, MONDO:0008024, OMIM 158580.

Allele frequency attached by ClinVar (database versions not stated): gnomAD exomes below 0.00001; ExAC 0.00001.
gnomAD v4.1: 1 of 1,613,342 alleles (0.000062%); highest among the groups gnomAD compares: African/African-American, 0.0013%; no homozygotes.

Submission:

Labcorp Genetics (formerly Invitae), Labcorp
Classification: Uncertain significance for Neuronopathy, distal hereditary motor, type 7A; Congenital myasthenic syndrome 20. Last evaluated: 2023-05-15. Review status: criteria provided, single submitter. Criteria: Invitae Variant Classification Sherloc (09022015). Collection method: clinical testing. Allele origin: germline.
Comment: This variant has not been reported in the literature in individuals affected with SLC5A7-related conditions. This sequence change replaces glycine, which is neutral and non-polar, with arginine, which is basic and polar, at codon 7 of the SLC5A7 protein (p.Gly7Arg). This variant is present in population databases (rs753442687, gnomAD 0.007%). ClinVar contains an entry for this variant (Variation ID: 1037140). In summary, the available evidence is currently insufficient to determine the role of this variant in disease. Therefore, it has been classified as a Variant of Uncertain Significance. Advanced modeling of protein sequence and biophysical properties (such as structural, functional, and spatial information, amino acid conservation, physicochemical variation, residue mobility, and thermodynamic stability) performed at Invitae indicates that this missense variant is expected to disrupt SLC5A7 protein function.